The following is an entry in ClinVar:

ClinVar aggregate classification (germline): Uncertain significance (1 of 4 stars; one submission).

Submission:

GeneDx
Classification: Uncertain significance. Last evaluated: 2017-07-28. Review status: criteria provided, single submitter. Criteria: GeneDx Variant Classification (06012015). Collection method: clinical testing. Allele origin: germline. Affected: yes.
Comment: A variant of uncertain significance has been identified in the PLEC gene. The c.4911_4940dup30 variant has not been published as a pathogenic variant, nor has it been reported as a benign variant to our knowledge. The c.4911_4940dup30 variant is not observed in large population cohorts (Lek et al., 2016; 1000 Genomes Consortium et al., 2015; Exome Variant Server). The c.4911_4940dup30 variant results in an in-frame duplication of ten amino acids, denoted p.Arg1640_Arg1649dup. However, this substitution occurs at a position where the majority of duplicated amnio acids are not conserved. Therefore, based on the currently available information, it is unclear whether this variant is a pathogenic variant or a rare benign variant.

NM_201384.3(PLEC):c.4830_4859dup (p.Arg1613_Arg1622dup)

Gene: PLEC (plectin; minus strand). Cytogenetic location: 8q24.3.
Variant type: Duplication.
Coding change: c.4830_4859dup on transcript NM_201384.3 (MANE Select); coding-DNA positions 4830 to 4859, 30 bases duplicated (TGAGCGGCGGGCACAGCAGCAGGCCGAGGC).
Protein change: p.Arg1613_Arg1622dup.
Molecular consequence: inframe insertion.
Genome position (GRCh38, 1-based): chr8:143,925,070-143,925,099, GCCTCGGCCTGCTGCTGTGCCCGCCGCTCA duplicated on the plus strand (TGAGCGGCGGGCACAGCAGCAGGCCGAGGC on the coding strand, the reverse complement: PLEC is on the minus strand); duplicating any 30 consecutive bases within chr8:143,925,070-143,925,104 gives the same sequence; the c. name uses the placement nearest the transcript's 3' end. VCF-style (leftmost placement, unchanged base first): chr8-143925069-G-GGCCTCGGCCTGCTGCTGTGCCCGCCGCTCA. GRCh37 (hg19) VCF-style: chr8-144999237-G-GGCCTCGGCCTGCTGCTGTGCCCGCCGCTCA.
Other names: c.4842_4871dup, p.Arg1617_Arg1626dup (NM_201383.3); c.4911_4940dup, p.Arg1640_Arg1649dup (NM_000445.5); c.4788_4817dup, p.Arg1599_Arg1608dup (NM_201378.4); c.4764_4793dup, p.Arg1591_Arg1600dup (NM_201379.3); c.5241_5270dup, p.Arg1750_Arg1759dup (NM_201380.4); c.4734_4763dup, p.Arg1581_Arg1590dup (NM_201381.3); c.4830_4859dup, p.Arg1613_Arg1622dup (NM_201382.4).
Identifiers: ClinVar variation 450869 (VCV000450869.2), dbSNP rs1554700573, ClinGen allele CA658657838.